The following is an entry in ClinVar:

ClinVar aggregate classification (germline): Uncertain significance. Review status: criteria provided, multiple submitters, no conflicts (2 of 4 stars). 3 submissions from 3 submitters: Uncertain significance (3). Last evaluated 2025-05-30.

Conditions:
Benign neonatal seizures. Also called: Convulsions benign familial neonatal dominant form; Autosomal dominant form of benign neonatal seizures; Benign familial neonatal epilepsy; Benign neonatal familial convulsions; Benign familial neonatal seizures. Identifiers: Orphanet 1949, MedGen C0220669, MONDO:0016027.
Inborn genetic diseases. Identifiers: MedGen C0950123, MeSH D030342.

Allele frequency attached by ClinVar (database versions not stated): TOPMed 0.00001.
gnomAD v4.1: 1 of 1,612,984 alleles (0.000062%); highest among the groups gnomAD compares: African/African-American, 0.0013%; no homozygotes.

Submissions (3):

Labcorp Genetics (formerly Invitae), Labcorp
Classification: Uncertain significance for Benign neonatal seizures. Last evaluated: 2025-05-30. Review status: criteria provided, single submitter. Criteria: Invitae Variant Classification Sherloc (09022015). Collection method: clinical testing. Allele origin: germline.
Comment: This sequence change replaces valine, which is neutral and non-polar, with phenylalanine, which is neutral and non-polar, at codon 629 of the KCNQ3 protein (p.Val629Phe). This variant is not present in population databases (gnomAD no frequency). This variant has not been reported in the literature in individuals affected with KCNQ3-related conditions. ClinVar contains an entry for this variant (Variation ID: 205980). An algorithm developed to predict the effect of missense changes on protein structure and function (PolyPhen-2) suggests that this variant is likely to be disruptive. In summary, the available evidence is currently insufficient to determine the role of this variant in disease. Therefore, it has been classified as a Variant of Uncertain Significance.

Ambry Genetics
Classification: Uncertain significance for Inborn genetic diseases. Last evaluated: 2018-02-28. Review status: criteria provided, single submitter. Criteria: Ambry Variant Classification Scheme 2023. Collection method: clinical testing. Allele origin: germline.
Comment: The p.V629F variant (also known as c.1885G>T) is located in coding exon 15 of the KCNQ3 gene. The valine at codon 629 is replaced by phenylalanine, an amino acid with highly similar properties. This change occurs in the first base pair of coding exon 15. This amino acid position is highly conserved in available vertebrate species. In addition, this alteration is predicted to be deleterious by in silico analysis. Since supporting evidence is limited at this time, the clinical significance of this alteration remains unclear.

GeneDx
Classification: Uncertain significance. Last evaluated: 2013-11-01. Review status: criteria provided, single submitter. Criteria: GeneDx Variant Classification (06012015). Collection method: clinical testing. Allele origin: germline. Affected: yes.
Comment: p.Val629Phe (GTT>TTT): c.1885 G>T in exon 15 of the KCNQ3 gene. The Val629Phe missense change in the KCNQ3 has not been published as a mutation, nor has it been reported as a benign polymorphism to our knowledge. It was not observed in approximately 6,500 individuals of European and African American ancestry in the NHLBI Exome Sequencing Project, indicating it is not a common benign variant in these populations. This variant is a conservative substitution of one uncharged, non-polar amino acid for another. It alters a highly conserved position in the C-terminal region of the protein. In silico analysis predicts this variant is probably damaging to the protein structure/function. Therefore, based on the currently available information, it is unclear whether Val629Phe is a disease-causing mutation or a rare benign variant. The variant is found in INFANT-EPI panel(s).

NM_004519.4(KCNQ3):c.1885G>T (p.Val629Phe)

Gene: KCNQ3 (potassium voltage-gated channel subfamily Q member 3; minus strand). Cytogenetic location: 8q24.22.
Variant type: single nucleotide variant.
Coding change: c.1885G>T on transcript NM_004519.4 (MANE Select); coding-DNA position 1885, G replaced by T.
Protein change: p.Val629Phe; replaces valine 629 with phenylalanine.
Molecular consequence: missense variant.
Genome position (GRCh38, 1-based): chr8:132,129,996, C>A on the plus strand (G>T on the coding strand, the complement: KCNQ3 is on the minus strand). VCF-style: chr8-132129996-C-A. GRCh37 (hg19) VCF-style: chr8-133142243-C-A.
Other names: p.V629F:GTT>TTT; c.1525G>T, p.Val509Phe (NM_001204824.2); short protein forms V629F, V509F.
Identifiers: ClinVar variation 205980 (VCV000205980.5), dbSNP rs185511111, ClinGen allele CA315626.
Genomic context (GRCh38, chr8:132,129,996, plus strand): 5'-GTTCCATGTGTTGCATGTGCATATCCACGAGGAAGTCCAGCTTCTTCCCCATGTCCTGAA[C>A]CTGGAAAATCAAAGGAGCTGTGAATTACCACTTTCTCTGAGGGTGGGGATCGTTGCTATT-3'
Protein context (NP_004510.1, residues 619-639): MGKFVKVERQ[Val629Phe]QDMGKKLDFL